The following is an entry in ClinVar:

ClinVar aggregate classification (germline): Likely benign. Review status: criteria provided, multiple submitters, no conflicts (2 of 4 stars). 2 submissions from 2 submitters: Likely benign (2). Last evaluated 2021-07-28.

Conditions:
Melnick-Needles syndrome (MNS). Also called: MELNICK-NEEDLES OSTEODYSPLASTY; Melnick-Needles Syndrome (FLNA-MNS); OSTEODYSPLASTY OF MELNICK AND NEEDLES. Identifiers: Orphanet 2484, MedGen C0025237, MONDO:0010650, OMIM 309350.
Frontometaphyseal dysplasia (FMD1). Identifiers: Orphanet 1826, MedGen C0265293, MONDO:0015942.
Heterotopia, periventricular, X-linked dominant (PVNH1). Also called: PERIVENTRICULAR NODULAR HETEROTOPIA 4; HETEROTOPIA, PERIVENTRICULAR, 1; PERIVENTRICULAR NODULAR HETEROTOPIA 1; X-linked periventricular heterotopia. Identifiers: Orphanet 2149, Orphanet 82004, MedGen C1848213, MONDO:0010233, OMIM 300049.
Oto-palato-digital syndrome, type II (OPD2). Also called: Otopalatodigital Syndrome Type 2 (FLNA-OPD2); FACIOPALATOOSSEOUS SYNDROME; OPD II SYNDROME; Otopalatodigital Syndrome, Type II. Identifiers: Orphanet 669, Orphanet 90652, MedGen C1844696, MONDO:0010571, OMIM 304120.

Allele frequency attached by ClinVar (database versions not stated): TOPMed 0.00001; ExAC 0.00002; gnomAD exomes 0.00003.
gnomAD v4.1: 36 of 1,209,922 alleles (0.003%); highest among the groups gnomAD compares: Non-Finnish European, 0.004%; no homozygotes.

Submissions (2):

Labcorp Genetics (formerly Invitae), Labcorp
Classification: Likely benign for Oto-palato-digital syndrome, type II; Heterotopia, periventricular, X-linked dominant; Frontometaphyseal dysplasia; Melnick-Needles syndrome. Last evaluated: 2021-07-28. Review status: criteria provided, single submitter. Criteria: Invitae Variant Classification Sherloc (09022015). Collection method: clinical testing. Allele origin: germline.

GeneDx
Classification: Likely benign. Last evaluated: 2018-03-01. Review status: criteria provided, single submitter. Criteria: GeneDx Variant Classification (06012015). Collection method: clinical testing. Allele origin: germline. Affected: yes.
Comment: This variant is considered likely benign or benign based on one or more of the following criteria: it is a conservative change, it occurs at a poorly conserved position in the protein, it is predicted to be benign by multiple in silico algorithms, and/or has population frequency not consistent with disease.

NM_001110556.2(FLNA):c.868+19G>A

Gene: FLNA (filamin A; minus strand). Cytogenetic location: Xq28.
Variant type: single nucleotide variant.
Coding change: c.868+19G>A on transcript NM_001110556.2 (MANE Select); 19 bases into the intron after coding-DNA position 868, G replaced by A.
Molecular consequence: intron variant.
Genome position (GRCh38, 1-based): chrX:154,367,378, C>T on the plus strand (G>A on the coding strand, the complement: FLNA is on the minus strand). VCF-style: chrX-154367378-C-T. GRCh37 (hg19) VCF-style: chrX-153595746-C-T.
Other names: c.868+19G>A (NM_001456.4).
Identifiers: ClinVar variation 515804 (VCV000515804.9), dbSNP rs782354307, ClinGen allele CA10561351.